The following is an entry in ClinVar:

ClinVar aggregate classification (germline): Uncertain significance (1 of 4 stars; one submission).

Conditions:
Developmental delay, impaired speech, and behavioral abnormalities. Identifiers: MedGen C5561957, MONDO:0859178, OMIM 619475.

Submission:

Neuberg Centre For Genomic Medicine, NCGM
Classification: Uncertain significance for Developmental delay, impaired speech, and behavioral abnormalities. Last evaluated: 2023-05-20. Review status: criteria provided, single submitter. Criteria: ACMG Guidelines, 2015. Collection method: clinical testing. Allele origin: germline. Inheritance: Autosomal dominant inheritance. Affected: yes.
Comment: The observed missense c.2092A>T (p.Ile698Phe) variant in SPTBN1 gene has not been reported previously as a pathogenic variant nor as a benign variant, to our knowledge. The p.Ile698Phe variant is absent in gnomAD Exomes. This variant has not been submitted to the ClinVar database. Computational evidence (Polyphen - Benign, SIFT - Tolerated and MutationTaster - Disease causing) predicts conflicting evidence on protein structure and function for this variant. The reference amino acid of p.Ile698Phe in SPTBN1 is predicted as conserved by GERP++ and PhyloP across 100 vertebrates. The amino acid Ile at position 698 is changed to a Phe changing protein sequence and it might alter its composition and physico-chemical properties. For these reasons, this variant has been classified as a Variant of Uncertain Significance (VUS).

NM_003128.3(SPTBN1):c.2092A>T (p.Ile698Phe)

Gene: SPTBN1 (spectrin beta, non-erythrocytic 1; plus strand). Cytogenetic location: 2p16.2.
Variant type: single nucleotide variant.
Coding change: c.2092A>T on transcript NM_003128.3 (MANE Select); coding-DNA position 2092, A replaced by T.
Protein change: p.Ile698Phe; replaces isoleucine 698 with phenylalanine.
Molecular consequence: missense variant.
Genome position (GRCh38, 1-based): chr2:54,629,226, A>T. VCF-style: chr2-54629226-A-T. GRCh37 (hg19) VCF-style: chr2-54856363-A-T.
Other names: c.2053A>T, p.Ile685Phe (NM_178313.3); short protein forms I685F, I698F.
Identifiers: ClinVar variation 3367151 (VCV003367151.1).